The following is an entry in ClinVar:

ClinVar aggregate classification (germline): Uncertain significance (1 of 4 stars; one submission).

Conditions:
GLUT1 deficiency syndrome 1, autosomal recessive. Identifiers: MedGen C3149117.

Allele frequency attached by ClinVar (database versions not stated): ExAC 0.00003.
gnomAD v4.1: 11 of 1,614,090 alleles (0.00068%); highest among the groups gnomAD compares: South Asian, 0.012%; no homozygotes.

Submission:

Labcorp Genetics (formerly Invitae), Labcorp
Classification: Uncertain significance for GLUT1 deficiency syndrome 1, autosomal recessive. Last evaluated: 2024-10-24. Review status: criteria provided, single submitter. Criteria: Invitae Variant Classification Sherloc (09022015). Collection method: clinical testing. Allele origin: germline.
Comment: This sequence change replaces isoleucine, which is neutral and non-polar, with leucine, which is neutral and non-polar, at codon 192 of the SLC2A1 protein (p.Ile192Leu). This variant is present in population databases (rs746393667, gnomAD 0.02%). This variant has not been reported in the literature in individuals affected with SLC2A1-related conditions. ClinVar contains an entry for this variant (Variation ID: 2197936). Invitae Evidence Modeling of protein sequence and biophysical properties (such as structural, functional, and spatial information, amino acid conservation, physicochemical variation, residue mobility, and thermodynamic stability) indicates that this missense variant is not expected to disrupt SLC2A1 protein function with a negative predictive value of 95%. In summary, the available evidence is currently insufficient to determine the role of this variant in disease. Therefore, it has been classified as a Variant of Uncertain Significance.

NM_006516.4(SLC2A1):c.574A>C (p.Ile192Leu)

Gene: SLC2A1 (solute carrier family 2 member 1; minus strand). Cytogenetic location: 1p34.2.
Variant type: single nucleotide variant.
Coding change: c.574A>C on transcript NM_006516.4 (MANE Select); coding-DNA position 574, A replaced by C.
Protein change: p.Ile192Leu; replaces isoleucine 192 with leucine.
Molecular consequence: missense variant.
Genome position (GRCh38, 1-based): chr1:42,929,978, T>G on the plus strand (A>C on the coding strand, the complement: SLC2A1 is on the minus strand). VCF-style: chr1-42929978-T-G. GRCh37 (hg19) VCF-style: chr1-43395649-T-G.
Other names: short protein forms I192L.
Identifiers: ClinVar variation 2197936 (VCV002197936.4), dbSNP rs746393667, ClinGen allele CA803497.
Genomic context (GRCh38, chr1:42,929,978, plus strand): 5'-GGGGACTCTCGGGGCAGAAGGGCAGCACGATGCACTGCAGCAGGGCCGGGATGAAGATGA[T>G]GCTCAGCAGCAGGGGCCACAGGTCCTTGTTGCCCATGATGGAGTCCAGGCCGAACACCTG-3'
Protein context (NP_006507.2, residues 182-202): NKDLWPLLLS[Ile192Leu]IFIPALLQCI